The following is an entry in ClinVar:

ClinVar aggregate classification (germline): Likely benign. Review status: criteria provided, single submitter (1 of 4 stars). 2 submissions from 2 submitters: Likely benign (1). 1 of the submissions does not count toward it. Last evaluated 2025-06-22.

Conditions:
Rubinstein-Taybi syndrome due to EP300 haploinsufficiency. Also called: EP300-Related Rubinstein-Taybi Syndrome; RUBINSTEIN-TAYBI SYNDROME 2. Identifiers: Orphanet 353284, Orphanet 783, MedGen C3150941, MONDO:0013364, OMIM 613684.
EP300-related disorder. Also called: EP300-related condition; EP300-related disorders.

Allele frequency attached by ClinVar (database versions not stated): gnomAD 0.00002; TOPMed 0.00005; gnomAD exomes 0.00008; ExAC 0.00012.
gnomAD v4.1: 124 of 1,614,080 alleles (0.0077%); highest among the groups gnomAD compares: East Asian, 0.14%; 1 homozygote.

Submissions (2):

Labcorp Genetics (formerly Invitae), Labcorp
Classification: Likely benign for Rubinstein-Taybi syndrome due to EP300 haploinsufficiency. Last evaluated: 2025-06-22. Review status: criteria provided, single submitter. Criteria: Invitae Variant Classification Sherloc (09022015). Collection method: clinical testing. Allele origin: germline.

PreventionGenetics, part of Exact Sciences
Classification: Benign for EP300-related condition. Last evaluated: 2024-07-11. Review status: no assertion criteria provided. Collection method: clinical testing. Allele origin: germline. Not counted in ClinVar's aggregate classification.
Comment: This variant is classified as benign based on ACMG/AMP sequence variant interpretation guidelines (Richards et al. 2015 PMID: 25741868, with internal and published modifications).

NM_001429.4(EP300):c.1666A>G (p.Met556Val)

Gene: EP300 (EP300 lysine acetyltransferase; plus strand). Cytogenetic location: 22q13.2.
Variant type: single nucleotide variant.
Coding change: c.1666A>G on transcript NM_001429.4 (MANE Select); coding-DNA position 1666, A replaced by G.
Protein change: p.Met556Val; replaces methionine 556 with valine.
Molecular consequence: missense variant.
Genome position (GRCh38, 1-based): chr22:41,137,696, A>G. VCF-style: chr22-41137696-A-G. GRCh37 (hg19) VCF-style: chr22-41533700-A-G.
Other names: c.1666A>G, p.Met556Val (NM_001362843.2); c.1666A>G (NM_001429.3); short protein forms M556V.
Identifiers: ClinVar variation 2910186 (VCV002910186.4), dbSNP rs779503787, ClinGen allele CA10252594.